The following is an entry in ClinVar:

ClinVar aggregate classification (germline): Uncertain significance (1 of 4 stars; one submission).

Allele frequency attached by ClinVar (database versions not stated): gnomAD exomes below 0.00001; gnomAD 0.00001; TOPMed 0.00001.
gnomAD v4.1: 9 of 1,613,972 alleles (0.00056%); highest among the groups gnomAD compares: African/African-American, 0.0013%; no homozygotes.

Submission:

Labcorp Genetics (formerly Invitae), Labcorp
Classification: Uncertain significance. Last evaluated: 2021-11-01. Review status: criteria provided, single submitter. Criteria: Invitae Variant Classification Sherloc (09022015). Collection method: clinical testing. Allele origin: germline.
Comment: In summary, the available evidence is currently insufficient to determine the role of this variant in disease. Therefore, it has been classified as a Variant of Uncertain Significance. Algorithms developed to predict the effect of missense changes on protein structure and function are either unavailable or do not agree on the potential impact of this missense change (SIFT: "Deleterious"; PolyPhen-2: "Benign"; Align-GVGD: "Class C15"). This variant has not been reported in the literature in individuals affected with CDC14A-related conditions. The frequency data for this variant in the population databases is considered unreliable, as metrics indicate poor data quality at this position in the gnomAD database. This sequence change replaces arginine, which is basic and polar, with cysteine, which is neutral and slightly polar, at codon 236 of the CDC14A protein (p.Arg236Cys).

NM_003672.4(CDC14A):c.706C>T (p.Arg236Cys)

Gene: CDC14A (cell division cycle 14A; plus strand). Cytogenetic location: 1p21.2.
Variant type: single nucleotide variant.
Coding change: c.706C>T on transcript NM_003672.4 (MANE Select); coding-DNA position 706, C replaced by T.
Protein change: p.Arg236Cys; replaces arginine 236 with cysteine.
Molecular consequence: missense variant. On other transcripts: 5 prime UTR variant (1).
Genome position (GRCh38, 1-based): chr1:100,462,749, C>T. VCF-style: chr1-100462749-C-T. GRCh37 (hg19) VCF-style: chr1-100928305-C-T.
Other names: c.706C>T, p.Arg236Cys (NM_001319210.2, NM_033312.3, NM_033313.3); c.532C>T, p.Arg178Cys (NM_001319211.2); c.-174C>T (NM_001319212.2); short protein forms R178C, R236C.
Identifiers: ClinVar variation 1463754 (VCV001463754.4), dbSNP rs1482824856, ClinGen allele CA341357357.
Genomic context (GRCh38, chr1:100,462,749, plus strand): 5'-TTCAAAAAGCATAATGTGACTGCAGTTGTGAGGCTAAACAAAAAGATTTATGAGGCAAAG[C>T]GCTTCACAGACGCTGGCTTCGAGCACTATGACCTCTTCTTCATAGATGGCAGCACACCCA-3'
Protein context (NP_003663.2, residues 226-246): RLNKKIYEAK[Arg236Cys]FTDAGFEHYD